The following is an entry in ClinVar:

ClinVar aggregate classification (germline): Uncertain significance (1 of 4 stars; one submission).

Submission:

Labcorp Genetics (formerly Invitae), Labcorp
Classification: Uncertain significance. Last evaluated: 2021-06-12. Review status: criteria provided, single submitter. Criteria: Invitae Variant Classification Sherloc (09022015). Collection method: clinical testing. Allele origin: germline.
Comment: This sequence change replaces methionine with arginine at codon 1056 of the ERBIN protein (p.Met1056Arg). The methionine residue is moderately conserved and there is a moderate physicochemical difference between methionine and arginine. This variant is not present in population databases (ExAC no frequency). This variant has not been reported in the literature in individuals with ERBIN-related conditions. Algorithms developed to predict the effect of missense changes on protein structure and function (SIFT, PolyPhen-2, Align-GVGD) all suggest that this variant is likely to be tolerated, but these predictions have not been confirmed by published functional studies and their clinical significance is uncertain. Algorithms developed to predict the effect of sequence changes on RNA splicing suggest that this variant may create or strengthen a splice site, but this prediction has not been confirmed by published transcriptional studies. In summary, the available evidence is currently insufficient to determine the role of this variant in disease. Therefore, it has been classified as a Variant of Uncertain Significance.

NM_001253697.2(ERBIN):c.3167T>G (p.Met1056Arg)

Gene: ERBIN (erbb2 interacting protein; plus strand). Cytogenetic location: 5q12.3.
Variant type: single nucleotide variant.
Coding change: c.3167T>G on transcript NM_001253697.2 (MANE Select); coding-DNA position 3167, T replaced by G.
Protein change: p.Met1056Arg; replaces methionine 1056 with arginine.
Molecular consequence: missense variant.
Genome position (GRCh38, 1-based): chr5:66,054,485, T>G. VCF-style: chr5-66054485-T-G. GRCh37 (hg19) VCF-style: chr5-65350313-T-G.
Other names: c.3167T>G, p.Met1056Arg (NM_001006600.3, NM_001253698.2, NM_001253699.2 and 1 more transcripts); c.3155T>G, p.Met1052Arg (NM_001253701.2); short protein forms M1056R, M1052R.
Identifiers: ClinVar variation 1498016 (VCV001498016.8), dbSNP rs2151241012, ClinGen allele CA359869035.